The following is an entry in ClinVar:

ClinVar aggregate classification (germline): Uncertain significance (1 of 4 stars; one submission).

gnomAD v4.1: 1 of 1,613,802 alleles (0.000062%); highest among the groups gnomAD compares: Admixed American, 0.0017%; no homozygotes.

Submission:

Ambry Genetics
Classification: Uncertain significance. Last evaluated: 2026-06-04. Review status: criteria provided, single submitter. Criteria: Ambry Variant Classification Scheme 2023. Collection method: clinical testing. Allele origin: germline.
Comment: The p.G510R variant (also known as c.1528G>A), located in coding exon 13 of the GEN1 gene, results from a G to A substitution at nucleotide position 1528. The glycine at codon 510 is replaced by arginine, an amino acid with dissimilar properties. This amino acid position is conserved. In addition, this alteration is predicted to be tolerated by in silico analysis. Based on the available evidence, the clinical significance of this variant remains unclear.

NM_001130009.3(GEN1):c.1528G>A (p.Gly510Arg)

Gene: GEN1 (GEN1 structure-specific endonuclease; plus strand). Cytogenetic location: 2p24.2.
Variant type: single nucleotide variant.
Coding change: c.1528G>A on transcript NM_001130009.3 (MANE Select); coding-DNA position 1528, G replaced by A.
Protein change: p.Gly510Arg; replaces glycine 510 with arginine.
Molecular consequence: missense variant.
Genome position (GRCh38, 1-based): chr2:17,780,740, G>A. VCF-style: chr2-17780740-G-A. GRCh37 (hg19) VCF-style: chr2-17962007-G-A.
Other names: c.1528G>A, p.Gly510Arg (NM_182625.5); short protein forms G510R.
Identifiers: ClinVar variation 4858004 (VCV004858004.1).